The following is an entry in ClinVar:

ClinVar aggregate classification (germline): Uncertain significance. Review status: criteria provided, multiple submitters, no conflicts (2 of 4 stars). 2 submissions from 2 submitters: Uncertain significance (2). Last evaluated 2024-12-14.

Conditions:
Simpson-Golabi-Behmel syndrome type 1 (SGBS1). Also called: SIMPSON DYSMORPHIA SYNDROME; GPC3-Related Simpson-Golabi-Behmel Syndrome Type 1; BULLDOG SYNDROME; DYSPLASIA GIGANTISM SYNDROME, X-LINKED; GOLABI-ROSEN SYNDROME. Identifiers: Orphanet 373, MedGen C0796154, MONDO:0020602, OMIM 312870.
Wilms tumor 1 (WT1). Also called: Wilms tumor, somatic. Identifiers: Orphanet 654, MedGen CN033288, MONDO:0008679, OMIM 194070.

Allele frequency attached by ClinVar (database versions not stated): ExAC 0.00001; gnomAD exomes 0.00001.
gnomAD v4.1: 13 of 1,209,828 alleles (0.0011%); highest among the groups gnomAD compares: Non-Finnish European, 0.0015%; no homozygotes.

Submissions (2):

Labcorp Genetics (formerly Invitae), Labcorp
Classification: Uncertain significance for Wilms tumor 1. Last evaluated: 2024-12-14. Review status: criteria provided, single submitter. Criteria: Invitae Variant Classification Sherloc (09022015). Collection method: clinical testing. Allele origin: germline.
Comment: This sequence change replaces leucine, which is neutral and non-polar, with proline, which is neutral and non-polar, at codon 320 of the GPC3 protein (p.Leu320Pro). This variant is present in population databases (rs759943578, gnomAD 0.003%). This variant has not been reported in the literature in individuals affected with GPC3-related conditions. ClinVar contains an entry for this variant (Variation ID: 659787). Invitae Evidence Modeling of protein sequence and biophysical properties (such as structural, functional, and spatial information, amino acid conservation, physicochemical variation, residue mobility, and thermodynamic stability) indicates that this missense variant is expected to disrupt GPC3 protein function with a positive predictive value of 80%. In summary, the available evidence is currently insufficient to determine the role of this variant in disease. Therefore, it has been classified as a Variant of Uncertain Significance.

Fulgent Genetics
Classification: Uncertain significance for Wilms tumor 1; Simpson-Golabi-Behmel syndrome type 1. Last evaluated: 2024-03-27. Review status: criteria provided, single submitter. Criteria: ACMG Guidelines, 2015. Collection method: clinical testing. Allele origin: germline.

NM_004484.4(GPC3):c.959T>C (p.Leu320Pro)

Gene: GPC3 (glypican 3; minus strand). Cytogenetic location: Xq26.2.
Variant type: single nucleotide variant.
Coding change: c.959T>C on transcript NM_004484.4 (MANE Select); coding-DNA position 959, T replaced by C.
Protein change: p.Leu320Pro; replaces leucine 320 with proline.
Molecular consequence: missense variant.
Genome position (GRCh38, 1-based): chrX:133,753,555, A>G on the plus strand (T>C on the coding strand, the complement: GPC3 is on the minus strand). VCF-style: chrX-133753555-A-G. GRCh37 (hg19) VCF-style: chrX-132887582-A-G.
Other names: c.959T>C, p.Leu320Pro (NM_001164617.2); c.911T>C, p.Leu304Pro (NM_001164618.2); c.797T>C, p.Leu266Pro (NM_001164619.2); short protein forms L320P, L304P, L266P.
Identifiers: ClinVar variation 659787 (VCV000659787.10), dbSNP rs759943578, ClinGen allele CA10520769.